The following is an entry in ClinVar:

ClinVar aggregate classification (germline): Likely benign. Review status: criteria provided, single submitter (1 of 4 stars). 2 submissions from 2 submitters: Likely benign (1). 1 of the submissions does not count toward it. Last evaluated 2018-06-18.

Allele frequency attached by ClinVar (database versions not stated): ExAC 0.00312; 1000 Genomes Project 30x 0.00375; 1000 Genomes Project 0.00379; TOPMed 0.00767; gnomAD exomes 0.00795 and 0.01084; gnomAD 0.01012 and 0.01042.
gnomAD v4.1: 6,983 of 655,444 alleles (1.1%); highest among the groups gnomAD compares: Non-Finnish European, 1.3%; 70 homozygotes.

Submissions (2):

GeneDx
Classification: Likely benign. Last evaluated: 2018-06-18. Review status: criteria provided, single submitter. Criteria: GeneDx Variant Classification (06012015). Collection method: clinical testing. Allele origin: germline. Affected: yes.
Comment: This variant is considered likely benign or benign based on one or more of the following criteria: it is a conservative change, it occurs at a poorly conserved position in the protein, it is predicted to be benign by multiple in silico algorithms, and/or has population frequency not consistent with disease.

ITMI
No classification provided. Condition: AllHighlyPenetrant. Last evaluated: 2013-09-19. Review status: no classification provided. Collection method: reference population. Allele origin: germline. Not counted in ClinVar's aggregate classification.
Comment: Please see associated publication for description of ethnicities

Literature cited by the submitters: PubMed 24728327 (cited by ITMI).

NM_000548.5(TSC2):c.336+233T>C

Gene: TSC2 (TSC complex subunit 2; plus strand). Cytogenetic location: 16p13.3.
Variant type: single nucleotide variant.
Coding change: c.336+233T>C on transcript NM_000548.5 (MANE Select); 233 bases into the intron after coding-DNA position 336, T replaced by C.
Molecular consequence: intron variant.
Genome position (GRCh38, 1-based): chr16:2,053,685, T>C. VCF-style: chr16-2053685-T-C. GRCh37 (hg19) VCF-style: chr16-2103686-T-C.
Other names: c.336+233T>C (NM_001114382.3, NM_021055.3, NM_001370405.1 and 3 more transcripts); c.226-611T>C (NM_001318827.2); c.-1-2511T>C (NM_001318831.2); c.189+233T>C (NM_001318829.2); c.369+233T>C (NM_001318832.2).
Identifiers: ClinVar variation 133428 (VCV000133428.1), dbSNP rs144712953, ClinGen allele CA018978.
Genomic context (GRCh38, chr16:2,053,685, plus strand): 5'-GTGTGACCGTAGGCACTGCCTCCTCGCCTGTAAACAGATGGTCACTGCACCTTCCTCTTA[T>C]GGGATGTTCTGGGGATCATATGAGGCAGTTCTCGCAGAGTGCTGAGATCGTACCTGGCAG-3'